The following is an entry in ClinVar:

ClinVar aggregate classification (germline): Uncertain significance (0 of 4 stars; one submission).

Submission:

Richard Lifton Laboratory, Yale University School of Medicine
Classification: Uncertain significance. Review status: no assertion criteria provided. Collection method: not provided. Allele origin: somatic.
Comment: RFX4
ClinVar note: Converted during submission from unknown to Uncertain significance.

NM_213594.3(RFX4):c.175C>T (p.Pro59Ser)

Genes: RFX4 (regulatory factor X4; plus strand), RFX4-AS1 (RFX4 antisense RNA 1; minus strand). Cytogenetic location: 12q23.3.
Variant type: single nucleotide variant.
Coding change: c.175C>T on transcript NM_213594.3 (MANE Select); coding-DNA position 175, C replaced by T.
Protein change: p.Pro59Ser; replaces proline 59 with serine.
Molecular consequence: missense variant.
Genome position (GRCh38, 1-based): chr12:106,639,376, C>T. VCF-style: chr12-106639376-C-T. GRCh37 (hg19) VCF-style: chr12-107033154-C-T.
Other names: c.202C>T, p.Pro68Ser (NM_001206691.2); short protein forms P59S, P68S.
Identifiers: ClinVar variation 92042 (VCV000092042.2), dbSNP rs386352356, ClinGen allele CA232409.
Genomic context (GRCh38, chr12:106,639,376, plus strand): 5'-TTCTTTCCTTTAACAGATGAGGAAAAAGAAAATAATAGAGCATCCAAGCCCCACTCCACT[C>T]CTGCTACTCTGCAATGGTAAGTTTCCATTTTTAGCAAGTTCTGTCTTCAGAGGATGCTCA-3'
Protein context (NP_998759.1, residues 49-69): NNRASKPHST[Pro59Ser]ATLQWLEENY